The following is an entry in ClinVar:

ClinVar aggregate classification (germline): Uncertain significance. Review status: criteria provided, multiple submitters, no conflicts (2 of 4 stars). 2 submissions from 2 submitters: Uncertain significance (2). Last evaluated 2024-10-29.

Conditions:
Familial hemophagocytic lymphohistiocytosis 3 (FHL3). Also called: UNC13D-Related Familial Hemophagocytic Lymphohistiocytosis (UNC13D-fHLH). Identifiers: Orphanet 540, MedGen C1837174, MONDO:0012146, OMIM 608898.

Allele frequency attached by ClinVar (database versions not stated): gnomAD 0.00003; TOPMed 0.00006; 1000 Genomes Project 0.00040; 1000 Genomes Project 30x 0.00062.

Submissions (2):

Labcorp Genetics (formerly Invitae), Labcorp
Classification: Uncertain significance for Familial hemophagocytic lymphohistiocytosis 3. Last evaluated: 2024-10-29. Review status: criteria provided, single submitter. Criteria: Invitae Variant Classification Sherloc (09022015). Collection method: clinical testing. Allele origin: germline.
Comment: This sequence change replaces arginine, which is basic and polar, with cysteine, which is neutral and slightly polar, at codon 172 of the UNC13D protein (p.Arg172Cys). This variant is present in population databases (rs560126604, gnomAD 0.02%). This variant has not been reported in the literature in individuals affected with UNC13D-related conditions. ClinVar contains an entry for this variant (Variation ID: 533093). Invitae Evidence Modeling of protein sequence and biophysical properties (such as structural, functional, and spatial information, amino acid conservation, physicochemical variation, residue mobility, and thermodynamic stability) has been performed for this missense variant. However, the output from this modeling did not meet the statistical confidence thresholds required to predict the impact of this variant on UNC13D protein function. In summary, the available evidence is currently insufficient to determine the role of this variant in disease. Therefore, it has been classified as a Variant of Uncertain Significance.

New York Genome Center
Classification: Uncertain significance for Familial hemophagocytic lymphohistiocytosis 3. Last evaluated: 2020-07-31. Review status: criteria provided, single submitter. Criteria: NYGC Assertion Criteria 2020. Collection method: clinical testing. Allele origin: inherited. Observed: 1 heterozygote. Study: CSER-NYCKidSeq.

NM_199242.3(UNC13D):c.514C>T (p.Arg172Cys)

Gene: UNC13D (unc-13 homolog D; minus strand). Cytogenetic location: 17q25.1.
Variant type: single nucleotide variant.
Coding change: c.514C>T on transcript NM_199242.3 (MANE Select); coding-DNA position 514, C replaced by T.
Protein change: p.Arg172Cys; replaces arginine 172 with cysteine.
Molecular consequence: missense variant.
Genome position (GRCh38, 1-based): chr17:75,842,488, G>A on the plus strand (C>T on the coding strand, the complement: UNC13D is on the minus strand). VCF-style: chr17-75842488-G-A. GRCh37 (hg19) VCF-style: chr17-73838569-G-A.
Other names: short protein forms R172C.
Identifiers: ClinVar variation 533093 (VCV000533093.8), dbSNP rs560126604, ClinGen allele CA8773456.
Genomic context (GRCh38, chr17:75,842,488, plus strand): 5'-CGTACAGGATGAAGGTCTCGTCCCAGACGGGGTTGAGTGTCTGGGTGATGACCTGCGTGC[G>A]GTGGGTCTCCTCCTCGGGGATGGTGTGCCTCACCACAGCCTTCTGCCGATGCCGGGACCC-3'
Protein context (NP_954712.1, residues 162-182): RHTIPEEETH[Arg172Cys]TQVITQTLNP